The following is an entry in ClinVar:

NM_000073.3(CD3G):c.11G>T (p.Gly4Val)

Gene: CD3G (CD3 gamma subunit of T-cell receptor complex; plus strand). Cytogenetic location: 11q23.3.
Variant type: single nucleotide variant.
Coding change: c.11G>T on transcript NM_000073.3 (MANE Select); coding-DNA position 11, G replaced by T.
Protein change: p.Gly4Val; replaces glycine 4 with valine.
Molecular consequence: missense variant.
Genome position (GRCh38, 1-based): chr11:118,344,434, G>T. VCF-style: chr11-118344434-G-T. GRCh37 (hg19) VCF-style: chr11-118215149-G-T.
Other names: short protein forms G4V.
Identifiers: ClinVar variation 950997 (VCV000950997.9), dbSNP rs1483357286, ClinGen allele CA382791519.

ClinVar aggregate classification (germline): Uncertain significance (1 of 4 stars; one submission).

Conditions:
Combined immunodeficiency due to CD3gamma deficiency. Also called: SCID-LIKE IMMUNODEFICIENCY, T CELL-PARTIAL, B CELL-POSITIVE, NK CELL-POSITIVE; Immunodeficiency 17; CD3-GAMMA DEFICIENCY; Immunodeficiency 17, CD3 gamma deficient. Identifiers: Orphanet 169082, MedGen C3810107, MONDO:0014276, OMIM 615607.

Submission:

Labcorp Genetics (formerly Invitae), Labcorp
Classification: Uncertain significance for Combined immunodeficiency due to CD3gamma deficiency. Last evaluated: 2019-04-09. Review status: criteria provided, single submitter. Criteria: Invitae Variant Classification Sherloc (09022015). Collection method: clinical testing. Allele origin: germline.
Comment: This sequence change replaces glycine with valine at codon 4 of the CD3G protein (p.Gly4Val). The glycine residue is weakly conserved and there is a moderate physicochemical difference between glycine and valine. This variant is not present in population databases (ExAC no frequency). This variant has not been reported in the literature in individuals with CD3G-related conditions. Algorithms developed to predict the effect of missense changes on protein structure and function are either unavailable or do not agree on the potential impact of this missense change (SIFT: "Tolerated"; PolyPhen-2: "Probably Damaging"; Align-GVGD: "Class C0"). Algorithms developed to predict the effect of sequence changes on RNA splicing suggest that this variant may create or strengthen a splice site, but this prediction has not been confirmed by published transcriptional studies. In summary, the available evidence is currently insufficient to determine the role of this variant in disease. Therefore, it has been classified as a Variant of Uncertain Significance.